The following is an entry in ClinVar:

NM_020919.4(ALS2):c.4832G>A (p.Arg1611Gln)

Gene: ALS2 (alsin Rho guanine nucleotide exchange factor ALS2; minus strand). Cytogenetic location: 2q33.1.
Variant type: single nucleotide variant.
Coding change: c.4832G>A on transcript NM_020919.4 (MANE Select); coding-DNA position 4832, G replaced by A.
Protein change: p.Arg1611Gln; replaces arginine 1611 with glutamine.
Molecular consequence: missense variant.
Genome position (GRCh38, 1-based): chr2:201,704,460, C>T on the plus strand (G>A on the coding strand, the complement: ALS2 is on the minus strand). VCF-style: chr2-201704460-C-T. GRCh37 (hg19) VCF-style: chr2-202569183-C-T.
Other names: short protein forms R1611Q.
Identifiers: ClinVar variation 989001 (VCV000989001.13), dbSNP rs1689578912, ClinGen allele CA350320587.
Genomic context (GRCh38, chr2:201,704,460, plus strand): 5'-CAGCAGACTTTTAAAAATAACGACTCACTAATAACAAAGTCATAAAACAGTTACCTGGCC[C>T]GTAGCACCACATATAAGAAAACAGGAAACAAGTCATCCATGGACCACAAGAAGTCTTCGT-3'
Protein context (NP_065970.2, residues 1601-1621): LFPVFLYVVL[Arg1611Gln]ARIRNLGSEV

ClinVar aggregate classification (germline): Conflicting classifications of pathogenicity. Review status: criteria provided, conflicting classifications (1 of 4 stars). 5 submissions from 5 submitters: Pathogenic (3); Uncertain significance (2). Last evaluated 2024-09-12.

Conditions:
Infantile-onset ascending hereditary spastic paralysis (IAHSP). Also called: Infantile-Onset Ascending Hereditary Spastic Paralysis (IAHSP); Autosomal Recessive Juvenile Amyotrophic Lateral Sclerosis. Identifiers: Orphanet 293168, MedGen C2931441, MONDO:0011797, OMIM 607225. Disease mechanism: loss of function.
ALS2-related disorder. Also called: ALS2-related condition; ALS2-related disorders; ALS2-Related Spectrum Disorders. Identifiers: MedGen CN169291.

Allele frequency attached by ClinVar (database versions not stated): gnomAD exomes below 0.00001.
gnomAD v4.1: 4 of 1,614,036 alleles (0.00025%); highest among the groups gnomAD compares: Non-Finnish European, 0.00034%; no homozygotes.

Submissions (5):

Blueprint Genetics
Classification: Pathogenic for ALS2-related disorders. Last evaluated: 2024-09-12. Review status: criteria provided, single submitter. Criteria: ACMG Guidelines, 2015. Collection method: clinical testing. Allele origin: germline. Affected: yes. Observed: 3 variant alleles.

MGZ Medical Genetics Center
Classification: Uncertain significance for Infantile-onset ascending hereditary spastic paralysis. Last evaluated: 2022-01-13. Review status: criteria provided, single submitter. Criteria: ACMG Guidelines, 2015. Collection method: clinical testing. Allele origin: germline. Affected: yes. Observed: 1 variant allele.
Comment: ACMG criteria applied: PM5, PM2_SUP

Labcorp Genetics (formerly Invitae), Labcorp
Classification: Uncertain significance for Infantile-onset ascending hereditary spastic paralysis. Last evaluated: 2020-11-30. Review status: criteria provided, single submitter. Criteria: Invitae Variant Classification Sherloc (09022015). Collection method: clinical testing. Allele origin: germline.
Comment: In summary, the available evidence is currently insufficient to determine the role of this variant in disease. Therefore, it has been classified as a Variant of Uncertain Significance. Algorithms developed to predict the effect of sequence changes on RNA splicing suggest that this variant may create or strengthen a splice site, but this prediction has not been confirmed by published transcriptional studies. Algorithms developed to predict the effect of missense changes on protein structure and function are either unavailable or do not agree on the potential impact of this missense change (SIFT: "Deleterious"; PolyPhen-2: "Probably Damaging"; Align-GVGD: "Class C0"). This variant has not been reported in the literature in individuals with ALS2-related conditions. This variant is not present in population databases (ExAC no frequency). This sequence change replaces arginine with glutamine at codon 1611 of the ALS2 protein (p.Arg1611Gln). The arginine residue is highly conserved and there is a small physicochemical difference between arginine and glutamine.

Medical Molecular Genetics Department, National Research Center
Classification: Pathogenic for Infantile-onset ascending hereditary spastic paralysis. Review status: criteria provided, single submitter. Criteria: ACMG Guidelines, 2015. Collection method: clinical testing. Allele origin: inherited. Affected: yes.

Paris Brain Institute, Inserm - ICM
Classification: Pathogenic for Infantile-onset ascending hereditary spastic paralysis. Review status: criteria provided, single submitter. Criteria: ACMG Guidelines, 2015. Collection method: clinical testing. Allele origin: unknown. Affected: yes. Observed: 1 variant allele.